The following is an entry in ClinVar:

NM_004260.4(RECQL4):c.1606C>T (p.Leu536Phe)

Gene: RECQL4 (RecQ like helicase 4; minus strand). Cytogenetic location: 8q24.3.
Variant type: single nucleotide variant.
Coding change: c.1606C>T on transcript NM_004260.4 (MANE Select); coding-DNA position 1606, C replaced by T.
Protein change: p.Leu536Phe; replaces leucine 536 with phenylalanine.
Molecular consequence: missense variant.
Genome position (GRCh38, 1-based): chr8:144,514,950, G>A on the plus strand (C>T on the coding strand, the complement: RECQL4 is on the minus strand). VCF-style: chr8-144514950-G-A. GRCh37 (hg19) VCF-style: chr8-145740334-G-A.
Other names: c.1606C>T (NM_004260.3); short protein forms L536F.
Identifiers: ClinVar variation 1038221 (VCV001038221.3), dbSNP rs1370366623, ClinGen allele CA372683477.
Genomic context (GRCh38, chr8:144,514,950, plus strand): 5'-GCTGGTTCTTGGCTGTGTACGTGTGCCCAGGGCCCTGTGTGCACACCTGGTCATCCATGA[G>A]TGACAGCAGGGGAGAGACGACCAACGTGAGGCAGGGGCTGCGCCGGCTGTAGAGCAGCGC-3'
Protein context (NP_004251.4, residues 526-546): LTLVVSPLLS[Leu536Phe]MDDQVSGLPP

ClinVar aggregate classification (germline): Uncertain significance. Review status: criteria provided, multiple submitters, no conflicts (2 of 4 stars). 2 submissions from 2 submitters: Uncertain significance (2). Last evaluated 2025-03-19.

Conditions:
Inborn genetic diseases. Identifiers: MedGen C0950123, MeSH D030342.
Baller-Gerold syndrome (BGS). Also called: CRANIOSYNOSTOSIS WITH RADIAL DEFECTS. Identifiers: Orphanet 1225, MedGen C0265308, MONDO:0009039, OMIM 218600.

Allele frequency attached by ClinVar (database versions not stated): TOPMed below 0.00001; gnomAD exomes 0.00001.
gnomAD v4.1: 8 of 1,611,664 alleles (0.0005%); highest among the groups gnomAD compares: Admixed American, 0.005%; no homozygotes.

Submissions (2):

Ambry Genetics
Classification: Uncertain significance for Inborn genetic diseases. Last evaluated: 2025-03-19. Review status: criteria provided, single submitter. Criteria: Ambry Variant Classification Scheme 2023. Collection method: clinical testing. Allele origin: germline.
Comment: The p.L536F variant (also known as c.1606C>T), located in coding exon 9 of the RECQL4 gene, results from a C to T substitution at nucleotide position 1606. The leucine at codon 536 is replaced by phenylalanine, an amino acid with highly similar properties. This amino acid position is conserved. In addition, this alteration is predicted to be deleterious by in silico analysis. Based on the available evidence, the clinical significance of this variant remains unclear.

Labcorp Genetics (formerly Invitae), Labcorp
Classification: Uncertain significance for Baller-Gerold syndrome. Last evaluated: 2022-08-18. Review status: criteria provided, single submitter. Criteria: Invitae Variant Classification Sherloc (09022015). Collection method: clinical testing. Allele origin: germline.
Comment: This sequence change replaces leucine, which is neutral and non-polar, with phenylalanine, which is neutral and non-polar, at codon 536 of the RECQL4 protein (p.Leu536Phe). This variant is present in population databases (no rsID available, gnomAD 0.009%). This variant has not been reported in the literature in individuals affected with RECQL4-related conditions. ClinVar contains an entry for this variant (Variation ID: 1038221). Experimental studies and prediction algorithms are not available or were not evaluated, and the functional significance of this variant is currently unknown. In summary, the available evidence is currently insufficient to determine the role of this variant in disease. Therefore, it has been classified as a Variant of Uncertain Significance.